The following is an entry in ClinVar:

ClinVar aggregate classification (germline): Uncertain significance. Review status: criteria provided, multiple submitters, no conflicts (2 of 4 stars). 2 submissions from 2 submitters: Uncertain significance (2). Last evaluated 2024-05-10.

Conditions:
Desmin-related myofibrillar myopathy (MFM1). Also called: MYOFIBRILLAR MYOPATHY WITH ARRHYTHMOGENIC RIGHT VENTRICULAR CARDIOMYOPATHY; DESMIN-RELATED MYOPATHY WITH ARRHYTHMOGENIC RIGHT VENTRICULAR CARDIOMYOPATHY; Myofibrillar myopathy 1; Desminopathy; Desmin related myopathy (former name); Desmin storage myopathy (former name). Identifiers: Orphanet 363543, Orphanet 98909, MedGen C1832370, MONDO:0011076, OMIM 601419.

Allele frequency attached by ClinVar (database versions not stated): gnomAD exomes below 0.00001; gnomAD 0.00001; TOPMed 0.00003.
gnomAD v4.1: 3 of 1,612,648 alleles (0.00019%); highest among the groups gnomAD compares: African/African-American, 0.0027%; no homozygotes.

Submissions (2):

Labcorp Genetics (formerly Invitae), Labcorp
Classification: Uncertain significance for Desmin-related myofibrillar myopathy. Last evaluated: 2024-05-10. Review status: criteria provided, single submitter. Criteria: Invitae Variant Classification Sherloc (09022015). Collection method: clinical testing. Allele origin: germline.
Comment: This sequence change falls in intron 5 of the DES gene. It does not directly change the encoded amino acid sequence of the DES protein. It affects a nucleotide within the consensus splice site. This variant is not present in population databases (gnomAD no frequency). This variant has not been reported in the literature in individuals affected with DES-related conditions. ClinVar contains an entry for this variant (Variation ID: 1051755). Variants that disrupt the consensus splice site are a relatively common cause of aberrant splicing (PMID: 17576681, 9536098). Algorithms developed to predict the effect of sequence changes on RNA splicing suggest that this variant may disrupt the consensus splice site. In summary, the available evidence is currently insufficient to determine the role of this variant in disease. Therefore, it has been classified as a Variant of Uncertain Significance.

GeneDx
Classification: Uncertain significance. Last evaluated: 2021-11-03. Review status: criteria provided, single submitter. Criteria: GeneDx Variant Classification Process June 2021. Collection method: clinical testing. Allele origin: germline. Affected: yes.
Comment: Has not been previously published as pathogenic or benign to our knowledge; Not observed in large population cohorts (Lek et al., 2016); In silico analysis supports a deleterious effect on splicing; Reported in ClinVar as a variant of uncertain significance (ClinVar Variant ID# 1051755; Landrum et al., 2016)

Literature cited by the submitters: PubMed 17576681 (cited by Labcorp Genetics (formerly Invitae), Labcorp); PubMed 9536098 (cited by Labcorp Genetics (formerly Invitae), Labcorp).

NM_001927.4(DES):c.1023+6T>G

Gene: DES (desmin; plus strand). Cytogenetic location: 2q35.
Variant type: single nucleotide variant.
Coding change: c.1023+6T>G on transcript NM_001927.4 (MANE Select); 6 bases into the intron after coding-DNA position 1023, T replaced by G.
Molecular consequence: intron variant.
Genome position (GRCh38, 1-based): chr2:219,420,959, T>G. VCF-style: chr2-219420959-T-G. GRCh37 (hg19) VCF-style: chr2-220285681-T-G.
Other names: c.1023+6T>G (NM_001382712.1, NM_001382711.1, NM_001382710.1); c.736-525T>G (NM_001382709.1); c.1020+6T>G (NM_001382708.1); c.753+6T>G (NM_001382713.1).
Identifiers: ClinVar variation 1051755 (VCV001051755.8), dbSNP rs1039179103, ClinGen allele CA65983108.
Genomic context (GRCh38, chr2:219,420,959, plus strand): 5'-ATACCGACACCAGATCCAGTCCTACACCTGCGAGATTGACGCCCTGAAGGGCACTGTGAG[T>G]CCCTGCCCACCTGGCCAGGCCCTGCCCCTTCCTGTCTGCAGTTCACACCCTCACTTTGTG-3'